The following is an entry in ClinVar:

ClinVar aggregate classification (germline): Uncertain significance (1 of 4 stars; one submission).

Submission:

GeneDx
Classification: Uncertain significance. Last evaluated: 2025-06-10. Review status: criteria provided, single submitter. Criteria: GeneDx Variant Classification Process June 2021. Collection method: clinical testing. Allele origin: germline. Affected: yes.
Comment: Not observed at significant frequency in large population cohorts (gnomAD); In silico analysis supports that this missense variant has a deleterious effect on protein structure/function; Has not been previously published as pathogenic or benign to our knowledge

NM_003128.3(SPTBN1):c.5823G>T (p.Arg1941Ser)

Gene: SPTBN1 (spectrin beta, non-erythrocytic 1; plus strand). Cytogenetic location: 2p16.2.
Variant type: single nucleotide variant.
Coding change: c.5823G>T on transcript NM_003128.3 (MANE Select); coding-DNA position 5823, G replaced by T.
Protein change: p.Arg1941Ser; replaces arginine 1941 with serine.
Molecular consequence: missense variant.
Genome position (GRCh38, 1-based): chr2:54,655,070, G>T. VCF-style: chr2-54655070-G-T. GRCh37 (hg19) VCF-style: chr2-54882207-G-T.
Other names: c.5784G>T, p.Arg1928Ser (NM_178313.3); short protein forms R1928S, R1941S.
Identifiers: ClinVar variation 4537677 (VCV004537677.1).